The following is an entry in ClinVar:

ClinVar aggregate classification (germline): Likely benign. Review status: criteria provided, multiple submitters, no conflicts (2 of 4 stars). 2 submissions from 2 submitters: Likely benign (2). Last evaluated 2024-08-20.

Allele frequency attached by ClinVar (database versions not stated): TOPMed 0.00004; gnomAD 0.00006; ESP Exome Variant Server 0.00008; ExAC 0.00010; gnomAD exomes 0.00030.
gnomAD v4.1: 434 of 1,614,058 alleles (0.027%); highest among the groups gnomAD compares: Non-Finnish European, 0.035%; no homozygotes.

Submissions (2):

Women's Health and Genetics/Laboratory Corporation of America, LabCorp
Classification: Likely benign. Last evaluated: 2024-08-20. Review status: criteria provided, single submitter. Criteria: LabCorp Variant Classification Summary - May 2015. Collection method: clinical testing. Allele origin: germline.
Comment: Variant summary: TG c.7239+18T>C alters a nucleotide located at a position not widely known to affect splicing. Consensus agreement among computation tools predict no significant impact on normal splicing. However, these predictions have yet to be confirmed by functional studies. The variant allele was found at a frequency of 0.0001 in 249102 control chromosomes. This frequency is not significantly higher than estimated for a pathogenic variant in TG causing TG-Related Disorders, allowing no conclusion about variant significance. To our knowledge, no occurrence of c.7239+18T>C in individuals affected with TG-Related Disorders and no experimental evidence demonstrating its impact on protein function have been reported. ClinVar contains an entry for this variant (Variation ID: 3020787). Based on the evidence outlined above, the variant was classified as likely benign.

Labcorp Genetics (formerly Invitae), Labcorp
Classification: Likely benign. Last evaluated: 2024-02-11. Review status: criteria provided, single submitter. Criteria: Invitae Variant Classification Sherloc (09022015). Collection method: clinical testing. Allele origin: germline.

NM_003235.5(TG):c.7239+18T>C

Gene: TG (thyroglobulin; plus strand). Cytogenetic location: 8q24.22.
Variant type: single nucleotide variant.
Coding change: c.7239+18T>C on transcript NM_003235.5 (MANE Select); 18 bases into the intron after coding-DNA position 7239, T replaced by C.
Molecular consequence: intron variant.
Genome position (GRCh38, 1-based): chr8:133,030,041, T>C. VCF-style: chr8-133030041-T-C. GRCh37 (hg19) VCF-style: chr8-134042286-T-C.
Identifiers: ClinVar variation 3020787 (VCV003020787.4), dbSNP rs369815566, ClinGen allele CA4885178.